The following is an entry in ClinVar:

NM_130837.3(OPA1):c.2588A>G (p.Tyr863Cys)

Gene: OPA1 (OPA1 mitochondrial dynamin like GTPase; plus strand). Cytogenetic location: 3q29.
Variant type: single nucleotide variant.
Coding change: c.2588A>G on transcript NM_130837.3 (MANE Select); coding-DNA position 2588, A replaced by G.
Protein change: p.Tyr863Cys; replaces tyrosine 863 with cysteine.
Molecular consequence: missense variant.
Genome position (GRCh38, 1-based): chr3:193,662,889, A>G. VCF-style: chr3-193662889-A-G. GRCh37 (hg19) VCF-style: chr3-193380678-A-G.
Other names: c.2477A>G, p.Tyr826Cys (NM_130834.3); c.2480A>G, p.Tyr827Cys (NM_130835.3); c.2534A>G, p.Tyr845Cys (NM_130836.3); c.2054A>G, p.Tyr685Cys (NM_001354663.2); c.2051A>G, p.Tyr684Cys (NM_001354664.2); c.2423A>G, p.Tyr808Cys (NM_015560.3); c.2315A>G, p.Tyr772Cys (NM_130831.3); c.2369A>G, p.Tyr790Cys (NM_130832.3); and 1 more; short protein forms Y863C, Y684C, Y808C, Y826C, Y809C, Y772C, Y827C, Y685C.
Identifiers: ClinVar variation 3649554 (VCV003649554.2).

ClinVar aggregate classification (germline): Uncertain significance (1 of 4 stars; one submission).

Submission:

Labcorp Genetics (formerly Invitae), Labcorp
Classification: Uncertain significance. Last evaluated: 2024-12-03. Review status: criteria provided, single submitter. Criteria: Invitae Variant Classification Sherloc (09022015). Collection method: clinical testing. Allele origin: germline.
Comment: This sequence change replaces tyrosine, which is neutral and polar, with cysteine, which is neutral and slightly polar, at codon 808 of the OPA1 protein (p.Tyr808Cys). This variant is not present in population databases (gnomAD no frequency). This variant has not been reported in the literature in individuals affected with OPA1-related conditions. Invitae Evidence Modeling of protein sequence and biophysical properties (such as structural, functional, and spatial information, amino acid conservation, physicochemical variation, residue mobility, and thermodynamic stability) indicates that this missense variant is not expected to disrupt OPA1 protein function with a negative predictive value of 80%. In summary, the available evidence is currently insufficient to determine the role of this variant in disease. Therefore, it has been classified as a Variant of Uncertain Significance.